The following is an entry in ClinVar:

NM_001297.5(CNGB1):c.1555G>A (p.Asp519Asn)

Gene: CNGB1 (cyclic nucleotide gated channel subunit beta 1; minus strand). Cytogenetic location: 16q21.
Variant type: single nucleotide variant.
Coding change: c.1555G>A on transcript NM_001297.5 (MANE Select); coding-DNA position 1555, G replaced by A.
Protein change: p.Asp519Asn; replaces aspartic acid 519 with asparagine.
Molecular consequence: missense variant.
Genome position (GRCh38, 1-based): chr16:57,923,361, C>T on the plus strand (G>A on the coding strand, the complement: CNGB1 is on the minus strand). VCF-style: chr16-57923361-C-T. GRCh37 (hg19) VCF-style: chr16-57957265-C-T.
Other names: c.1537G>A, p.Asp513Asn (NM_001286130.2); c.1555G>A (NM_001297.4); short protein forms D513N, D519N.
Identifiers: ClinVar variation 1119833 (VCV001119833.9), dbSNP rs570021916, ClinGen allele CA8083389.
Genomic context (GRCh38, chr16:57,923,361, plus strand): 5'-ACCAGGCAACCACTGGGGACTCTGCTGGTGACAACGCCTTGAGCTCTTCAGCCTCATCAT[C>T]CTCAGAGGGCAGCTTCTTCCTGCAAAGACACAGATGTGGAAGGGGCCTTCAGCAAAGGCA-3'
Protein context (NP_001288.3, residues 509-529): GTHRKKLPSE[Asp519Asn]DEAEELKALS

ClinVar aggregate classification (germline): Likely benign. Review status: criteria provided, multiple submitters, no conflicts (2 of 4 stars). 3 submissions from 3 submitters: Likely benign (3). Last evaluated 2026-01-26.

Conditions:
CNGB1-related disorder. Also called: CNGB1-related condition.

Allele frequency attached by ClinVar (database versions not stated): gnomAD 0.00001 and 0.00013; gnomAD exomes 0.00019 and 0.00035; ExAC 0.00032; 1000 Genomes Project 30x 0.00094; 1000 Genomes Project 0.00100.
gnomAD v4.1: 286 of 1,613,392 alleles (0.018%); highest among the groups gnomAD compares: South Asian, 0.28%; 5 homozygotes.

Submissions (3):

Labcorp Genetics (formerly Invitae), Labcorp
Classification: Likely benign. Last evaluated: 2026-01-26. Review status: criteria provided, single submitter. Criteria: Invitae Variant Classification Sherloc (09022015). Collection method: clinical testing. Allele origin: germline.

PreventionGenetics, part of Exact Sciences
Classification: Likely benign for CNGB1-related condition. Last evaluated: 2025-09-04. Review status: criteria provided, single submitter. Criteria: ACMG Guidelines, 2015. Collection method: clinical testing. Allele origin: germline.
Comment: This variant is classified as likely benign based on ACMG/AMP sequence variant interpretation guidelines (Richards et al. 2015 PMID: 25741868, with internal and published modifications).

Blueprint Genetics
Classification: Likely benign. Last evaluated: 2024-05-31. Review status: criteria provided, single submitter. Criteria: ACMG Guidelines, 2015. Collection method: clinical testing. Allele origin: germline.